The following is an entry in ClinVar:

NM_000321.3(RB1):c.2333C>A (p.Thr778Asn)

Gene: RB1 (RB transcriptional corepressor 1; plus strand). Cytogenetic location: 13q14.2.
Variant type: single nucleotide variant.
Coding change: c.2333C>A on transcript NM_000321.3 (MANE Select); coding-DNA position 2333, C replaced by A.
Protein change: p.Thr778Asn; replaces threonine 778 with asparagine.
Molecular consequence: missense variant.
Genome position (GRCh38, 1-based): chr13:48,465,212, C>A. VCF-style: chr13-48465212-C-A. GRCh37 (hg19) VCF-style: chr13-49039348-C-A.
Other names: c.2333C>A, p.Thr778Asn (NM_001407165.1); short protein forms T778N.
Identifiers: ClinVar variation 5027953 (VCV005027953.1).

ClinVar aggregate classification (germline): Uncertain significance (1 of 4 stars; one submission).

Conditions:
Hereditary cancer-predisposing syndrome. Also called: Neoplastic Syndromes, Hereditary; Tumor predisposition; Hereditary neoplastic syndrome; Hereditary Cancer Syndrome. Identifiers: Orphanet 140162, MedGen C0027672, MeSH D009386, MONDO:0015356.

Submission:

Ambry Genetics
Classification: Uncertain significance for Hereditary cancer-predisposing syndrome. Last evaluated: 2026-07-07. Review status: criteria provided, single submitter. Criteria: Ambry Variant Classification Scheme 2023. Collection method: clinical testing. Allele origin: germline.
Comment: The p.T778N variant (also known as c.2333C>A), located in coding exon 23 of the RB1 gene, results from a C to A substitution at nucleotide position 2333. The threonine at codon 778 is replaced by asparagine, an amino acid with similar properties. This amino acid position is conserved. In addition, this alteration is predicted to be tolerated by in silico analysis. Based on the available evidence, the clinical significance of this variant remains unclear.